The following is an entry in ClinVar:

NM_012431.3(SEMA3E):c.766G>A (p.Glu256Lys)

Gene: SEMA3E (semaphorin 3E; minus strand). Cytogenetic location: 7q21.11.
Variant type: single nucleotide variant.
Coding change: c.766G>A on transcript NM_012431.3 (MANE Select); coding-DNA position 766, G replaced by A.
Protein change: p.Glu256Lys; replaces glutamic acid 256 with lysine.
Molecular consequence: missense variant.
Genome position (GRCh38, 1-based): chr7:83,407,144, C>T on the plus strand (G>A on the coding strand, the complement: SEMA3E is on the minus strand). VCF-style: chr7-83407144-C-T. GRCh37 (hg19) VCF-style: chr7-83036460-C-T.
Other names: c.586G>A, p.Glu196Lys (NM_001178129.2); short protein forms E256K, E196K.
Identifiers: ClinVar variation 4744688 (VCV004744688.1).

ClinVar aggregate classification (germline): Uncertain significance (1 of 4 stars; one submission).

Conditions:
CHARGE syndrome (CHARGE). Also called: Hittner Hirsch Kreh syndrome; CHARGE ASSOCIATION--COLOBOMA, HEART ANOMALY, CHOANAL ATRESIA, RETARDATION, GENITAL AND EAR ANOMALIES; Coloboma, heart anomaly, choanal atresia, retardation, genital and ear anomalies; CHARGE association; Hall-Hittner syndrome. Identifiers: Orphanet 138, MedGen C0265354, MONDO:0008965.

Submission:

Labcorp Genetics (formerly Invitae), Labcorp
Classification: Uncertain significance for CHARGE syndrome. Last evaluated: 2025-06-10. Review status: criteria provided, single submitter. Criteria: Invitae Variant Classification Sherloc (09022015). Collection method: clinical testing. Allele origin: germline.
Comment: This sequence change replaces glutamic acid, which is acidic and polar, with lysine, which is basic and polar, at codon 256 of the SEMA3E protein (p.Glu256Lys). This variant is not present in population databases (gnomAD no frequency). This variant has not been reported in the literature in individuals affected with SEMA3E-related conditions. Invitae Evidence Modeling of protein sequence and biophysical properties (such as structural, functional, and spatial information, amino acid conservation, physicochemical variation, residue mobility, and thermodynamic stability) indicates that this missense variant is not expected to disrupt SEMA3E protein function with a negative predictive value of 80%. In summary, the available evidence is currently insufficient to determine the role of this variant in disease. Therefore, it has been classified as a Variant of Uncertain Significance.